The following is an entry in ClinVar:

ClinVar aggregate classification (germline): Uncertain significance (1 of 4 stars; one submission).

Conditions:
Cardiovascular phenotype. Identifiers: MedGen CN230736.

Submission:

Ambry Genetics
Classification: Uncertain significance for Cardiovascular phenotype. Last evaluated: 2023-11-28. Review status: criteria provided, single submitter. Criteria: Ambry Variant Classification Scheme 2023. Collection method: clinical testing. Allele origin: germline.
Comment: The c.380-5C>T intronic variant results from a C to T substitution 5 nucleotides before coding exon 2 in the JPH2 gene. This nucleotide position is well conserved in available vertebrate species. In silico splice site analysis predicts that this alteration will not have any significant effect on splicing. Since supporting evidence is limited at this time, the clinical significance of this alteration remains unclear.

NM_020433.5(JPH2):c.380-5C>T

Gene: JPH2 (junctophilin 2; minus strand). Cytogenetic location: 20q13.12.
Variant type: single nucleotide variant.
Coding change: c.380-5C>T on transcript NM_020433.5 (MANE Select); 5 bases into the intron before coding-DNA position 380, C replaced by T.
Molecular consequence: intron variant.
Genome position (GRCh38, 1-based): chr20:44,160,412, G>A on the plus strand (C>T on the coding strand, the complement: JPH2 is on the minus strand). VCF-style: chr20-44160412-G-A. GRCh37 (hg19) VCF-style: chr20-42789052-G-A.
Identifiers: ClinVar variation 3227387 (VCV003227387.1), dbSNP rs1257347992, ClinGen allele CA636173695.
Genomic context (GRCh38, chr20:44,160,412, plus strand): 5'-CTGGCGTACTCCGTAGCCATGGCGCATGCCGTTGGTGAACTGGCCTTGGTACGTCCCTGC[G>A]GGCGAGGAGAGGGCGCGTCAGTAGGCGGCACGACGGGTCCCCGCGTGTGCACGGTGGCCT-3'